The following is an entry in ClinVar:

NM_000238.4(KCNH2):c.967G>C (p.Asp323His)

Gene: KCNH2 (potassium voltage-gated channel subfamily H member 2; minus strand). Cytogenetic location: 7q36.1.
Variant type: single nucleotide variant.
Coding change: c.967G>C on transcript NM_000238.4 (MANE Select); coding-DNA position 967, G replaced by C.
Protein change: p.Asp323His; replaces aspartic acid 323 with histidine.
Molecular consequence: missense variant. On other transcripts: non-coding transcript variant (1).
Genome position (GRCh38, 1-based): chr7:150,957,452, C>G on the plus strand (G>C on the coding strand, the complement: KCNH2 is on the minus strand). VCF-style: chr7-150957452-C-G. GRCh37 (hg19) VCF-style: chr7-150654540-C-G.
Other names: c.679G>C, p.Asp227His (NM_001406753.1, NM_001406756.1); c.790G>C, p.Asp264His (NM_001406755.1); c.667G>C, p.Asp223His (NM_001406757.1); c.967G>C, p.Asp323His (NM_172056.3); short protein forms D264H, D323H, D227H, D223H.
Identifiers: ClinVar variation 3023635 (VCV003023635.4), dbSNP rs199472887, ClinGen allele CA369861781.

ClinVar aggregate classification (germline): Uncertain significance. Review status: criteria provided, multiple submitters, no conflicts (2 of 4 stars). 2 submissions from 2 submitters: Uncertain significance (2). Last evaluated 2024-03-26.

Conditions:
Long QT syndrome (LQTS). Identifiers: MedGen C0023976, MeSH D008133, MONDO:0002442. Disease mechanism: loss of function. Inheritance: Various modes of inheritance.

gnomAD v4.1: 1 of 1,614,122 alleles (0.000062%); no homozygotes.

Submissions (2):

Labcorp Genetics (formerly Invitae), Labcorp
Classification: Uncertain significance for Long QT syndrome. Last evaluated: 2024-03-26. Review status: criteria provided, single submitter. Criteria: Invitae Variant Classification Sherloc (09022015). Collection method: clinical testing. Allele origin: germline.
Comment: This sequence change replaces aspartic acid, which is acidic and polar, with histidine, which is basic and polar, at codon 323 of the KCNH2 protein (p.Asp323His). This variant is not present in population databases (gnomAD no frequency). This variant has not been reported in the literature in individuals affected with KCNH2-related conditions. An algorithm developed to predict the effect of missense changes on protein structure and function (PolyPhen-2) suggests that this variant is likely to be tolerated. In summary, the available evidence is currently insufficient to determine the role of this variant in disease. Therefore, it has been classified as a Variant of Uncertain Significance.

All of Us Research Program, National Institutes of Health
Classification: Uncertain significance for Long QT syndrome. Last evaluated: 2023-11-30. Review status: criteria provided, single submitter. Criteria: ACMG Guidelines, 2015. Collection method: clinical testing. Allele origin: germline. Inheritance: Autosomal dominant inheritance. Observed: 1 variant allele, 1 heterozygote.
Comment: This study involves interpretation of variants in research participants for the purpose of population health screening. Participant phenotype was not available at the time of variant classification. Additional details can be found in publication PMID: 35346344, PMCID: PMC8962531